The following is an entry in ClinVar:

ClinVar aggregate classification (germline): Uncertain significance (1 of 4 stars; one submission).

Conditions:
Sandhoff disease. Also called: Beta-hexosaminidase-beta-subunit deficiency; GM2 gangliosidosis, type 2; Total hexosaminidase deficiency; Sandhoff-Jatzkewitz-Pilz disease; GM2-GANGLIOSIDOSIS, TYPE II; HEXOSAMINIDASES A AND B DEFICIENCY. Identifiers: Orphanet 796, MedGen C0036161, MONDO:0010006, OMIM 268800.

Allele frequency attached by ClinVar (database versions not stated): gnomAD 0.00003.

Submission:

Labcorp Genetics (formerly Invitae), Labcorp
Classification: Uncertain significance for Sandhoff disease. Last evaluated: 2022-06-10. Review status: criteria provided, single submitter. Criteria: Invitae Variant Classification Sherloc (09022015). Collection method: clinical testing. Allele origin: germline.
Comment: Advanced modeling of protein sequence and biophysical properties (such as structural, functional, and spatial information, amino acid conservation, physicochemical variation, residue mobility, and thermodynamic stability) performed at Invitae indicates that this missense variant is expected to disrupt HEXB protein function. In summary, the available evidence is currently insufficient to determine the role of this variant in disease. Therefore, it has been classified as a Variant of Uncertain Significance. This variant has not been reported in the literature in individuals affected with HEXB-related conditions. This variant is present in population databases (no rsID available, gnomAD 0.008%). This sequence change replaces histidine, which is basic and polar, with tyrosine, which is neutral and polar, at codon 264 of the HEXB protein (p.His264Tyr).

NM_000521.4(HEXB):c.790C>T (p.His264Tyr)

Gene: HEXB (hexosaminidase subunit beta; plus strand). Cytogenetic location: 5q13.3.
Variant type: single nucleotide variant.
Coding change: c.790C>T on transcript NM_000521.4 (MANE Select); coding-DNA position 790, C replaced by T.
Protein change: p.His264Tyr; replaces histidine 264 with tyrosine.
Molecular consequence: missense variant.
Genome position (GRCh38, 1-based): chr5:74,713,524, C>T. VCF-style: chr5-74713524-C-T. GRCh37 (hg19) VCF-style: chr5-74009349-C-T.
Other names: c.115C>T, p.His39Tyr (NM_001292004.2); short protein forms H264Y, H39Y.
Identifiers: ClinVar variation 2135151 (VCV002135151.4), dbSNP rs923042404, ClinGen allele CA120906529.